The following is an entry in ClinVar:

ClinVar aggregate classification (germline): Uncertain significance (1 of 4 stars; one submission).

gnomAD v4.1: 1 of 1,508,038 alleles (0.000066%); highest among the groups gnomAD compares: African/African-American, 0.0014%; no homozygotes.

Submission:

Labcorp Genetics (formerly Invitae), Labcorp
Classification: Uncertain significance. Last evaluated: 2025-12-22. Review status: criteria provided, single submitter. Criteria: Invitae Variant Classification Sherloc (09022015). Collection method: clinical testing. Allele origin: germline.
Comment: This sequence change replaces leucine, which is neutral and non-polar, with arginine, which is basic and polar, at codon 18 of the NEFH protein (p.Leu18Arg). This variant is not present in population databases (gnomAD no frequency). This variant has not been reported in the literature in individuals affected with NEFH-related conditions. Invitae Evidence Modeling of protein sequence and biophysical properties (such as structural, functional, and spatial information, amino acid conservation, physicochemical variation, residue mobility, and thermodynamic stability) indicates that this missense variant is not expected to disrupt NEFH protein function with a negative predictive value of 95%. In summary, the available evidence is currently insufficient to determine the role of this variant in disease. Therefore, it has been classified as a Variant of Uncertain Significance.

NM_021076.4(NEFH):c.53T>G (p.Leu18Arg)

Gene: NEFH (neurofilament heavy chain; plus strand). Cytogenetic location: 22q12.2.
Variant type: single nucleotide variant.
Coding change: c.53T>G on transcript NM_021076.4 (MANE Select); coding-DNA position 53, T replaced by G.
Protein change: p.Leu18Arg; replaces leucine 18 with arginine.
Molecular consequence: missense variant.
Genome position (GRCh38, 1-based): chr22:29,480,315, T>G. VCF-style: chr22-29480315-T-G. GRCh37 (hg19) VCF-style: chr22-29876304-T-G.
Other names: short protein forms L18R.
Identifiers: ClinVar variation 4698363 (VCV004698363.1).